The following is an entry in ClinVar:

NM_000088.4(COL1A1):c.2159del (p.Ser720fs)

Gene: COL1A1 (collagen type I alpha 1 chain; minus strand). Cytogenetic location: 17q21.33.
Variant type: Deletion.
Coding change: c.2159del on transcript NM_000088.4 (MANE Select); coding-DNA position 2159, one base deleted (G; older notation c.2159delG).
Protein change: p.Ser720fs; shifts the reading frame from serine 720.
Molecular consequence: frameshift variant.
Genome position (GRCh38, 1-based): chr17:50,191,459, C deleted on the plus strand (G on the coding strand, the reverse complement: COL1A1 is on the minus strand). VCF-style (leftmost placement, unchanged base first): chr17-50191458-GC-G. GRCh37 (hg19) VCF-style: chr17-48268819-GC-G.
Other names: short protein forms S720fs.
Identifiers: ClinVar variation 1456029 (VCV001456029.6), dbSNP rs2144558687, ClinGen allele CA2573154249.

ClinVar aggregate classification (germline): Pathogenic (1 of 4 stars; one submission).

Conditions:
Osteogenesis imperfecta type I (OI1). Also called: Lobstein disease; Classic Non-deforming Osteogenesis Imperfecta with Blue Sclerae; OI, TYPE I; OSTEOGENESIS IMPERFECTA TARDA; OSTEOGENESIS IMPERFECTA WITH BLUE SCLERAE; Osteogenesis imperfecta type 1. Identifiers: Orphanet 216796, Orphanet 666, MedGen C0023931, MONDO:0008146, OMIM 166200. Disease mechanism: loss of function.

Submission:

Labcorp Genetics (formerly Invitae), Labcorp
Classification: Pathogenic for Osteogenesis imperfecta type I. Last evaluated: 2021-04-16. Review status: criteria provided, single submitter. Criteria: Invitae Variant Classification Sherloc (09022015). Collection method: clinical testing. Allele origin: germline.
Comment: For these reasons, this variant has been classified as Pathogenic. This variant has not been reported in the literature in individuals with COL1A1-related conditions. This variant is not present in population databases (ExAC no frequency). This sequence change creates a premature translational stop signal (p.Ser720Thrfs*46) in the COL1A1 gene. It is expected to result in an absent or disrupted protein product. Loss-of-function variants in COL1A1 are known to be pathogenic (PMID: 7942841, 9295084, 9443882).

Literature cited by the submitters: PubMed 7942841; PubMed 9295084; PubMed 9443882.